The following is an entry in ClinVar:

NM_000083.3(CLCN1):c.527C>A (p.Ala176Asp)

Gene: CLCN1 (chloride voltage-gated channel 1; plus strand). Cytogenetic location: 7q34.
Variant type: single nucleotide variant.
Coding change: c.527C>A on transcript NM_000083.3 (MANE Select); coding-DNA position 527, C replaced by A.
Protein change: p.Ala176Asp; replaces alanine 176 with aspartic acid.
Molecular consequence: missense variant. On other transcripts: non-coding transcript variant (1).
Genome position (GRCh38, 1-based): chr7:143,321,458, C>A. VCF-style: chr7-143321458-C-A. GRCh37 (hg19) VCF-style: chr7-143018551-C-A.
Other names: short protein forms A176D.
Identifiers: ClinVar variation 946402 (VCV000946402.4), dbSNP rs574259784, ClinGen allele CA4536976.

ClinVar aggregate classification (germline): Uncertain significance. Review status: criteria provided, multiple submitters, no conflicts (2 of 4 stars). 2 submissions from 2 submitters: Uncertain significance (2). Last evaluated 2019-09-28.

Conditions:
Congenital myotonia, autosomal dominant form (THD). Also called: THOMSEN DISEASE; Myotonia congenita autosomal dominant. Identifiers: Orphanet 614, MedGen C2936781, MONDO:0008055, OMIM 160800.
Congenital myotonia, autosomal recessive form. Also called: Becker Generalized Myotonia; myotonia congenita, autosomal recessive; BECKER DISEASE. Identifiers: Orphanet 614, MedGen C0751360, MONDO:0009715, OMIM 255700.

Allele frequency attached by ClinVar (database versions not stated): gnomAD below 0.00001 and 0.00003; gnomAD exomes 0.00003 and 0.00006; ExAC 0.00007; 1000 Genomes Project 30x 0.00016; 1000 Genomes Project 0.00020.
gnomAD v4.1: 51 of 1,614,172 alleles (0.0032%); highest among the groups gnomAD compares: South Asian, 0.055%; 1 homozygote.

Submissions (2):

Revvity Omics, Revvity
Classification: Uncertain significance. Last evaluated: 2019-09-28. Review status: criteria provided, single submitter. Criteria: ACMG Guidelines, 2015. Collection method: clinical testing. Allele origin: germline.

Labcorp Genetics (formerly Invitae), Labcorp
Classification: Uncertain significance for Congenital myotonia, autosomal recessive form; Congenital myotonia, autosomal dominant form. Last evaluated: 2019-05-10. Review status: criteria provided, single submitter. Criteria: Invitae Variant Classification Sherloc (09022015). Collection method: clinical testing. Allele origin: germline.
Comment: This sequence change replaces alanine with aspartic acid at codon 176 of the CLCN1 protein (p.Ala176Asp). The alanine residue is highly conserved and there is a moderate physicochemical difference between alanine and aspartic acid. This variant is present in population databases (rs574259784, ExAC 0.04%). This variant has not been reported in the literature in individuals with CLCN1-related conditions. Algorithms developed to predict the effect of missense changes on protein structure and function are either unavailable or do not agree on the potential impact of this missense change (SIFT: "Deleterious"; PolyPhen-2: "Probably Damaging"; Align-GVGD: "Class C0"). In summary, the available evidence is currently insufficient to determine the role of this variant in disease. Therefore, it has been classified as a Variant of Uncertain Significance.